The following is an entry in ClinVar:

ClinVar aggregate classification (germline): Benign. Review status: criteria provided, multiple submitters, no conflicts (2 of 4 stars). 8 submissions from 8 submitters: Benign (8). Last evaluated 2026-02-02.

Conditions:
Cardiovascular phenotype. Identifiers: MedGen CN230736.
Long QT syndrome 16. Identifiers: MedGen C5394068, MONDO:0032915, OMIM 618782.
Long QT syndrome 1 (LQT1). Identifiers: Orphanet 101016, Orphanet 768, MedGen C4551647, MONDO:0100316, OMIM 192500, MONDO:0008646.

Allele frequency attached by ClinVar (database versions not stated): gnomAD exomes 0.00073 and 0.00193; ExAC 0.00227; 1000 Genomes Project 30x 0.00734; 1000 Genomes Project 0.00739; ESP Exome Variant Server 0.00753; gnomAD 0.00756 and 0.00806; TOPMed 0.00904.

Submissions (8):

Labcorp Genetics (formerly Invitae), Labcorp
Classification: Benign for Long QT syndrome 1. Last evaluated: 2026-02-02. Review status: criteria provided, single submitter. Criteria: Invitae Variant Classification Sherloc (09022015). Collection method: clinical testing. Allele origin: germline.

ARUP Laboratories, Molecular Genetics and Genomics, ARUP Laboratories
Classification: Benign. Last evaluated: 2025-05-20. Review status: criteria provided, single submitter. Criteria: ARUP Molecular Germline Variant Investigation Process 2024. Collection method: clinical testing. Allele origin: germline.

Women's Health and Genetics/Laboratory Corporation of America, LabCorp
Classification: Benign. Last evaluated: 2024-04-21. Review status: criteria provided, single submitter. Criteria: LabCorp Variant Classification Summary - May 2015. Collection method: clinical testing. Allele origin: germline.

Mayo Clinic Laboratories, Mayo Clinic
Classification: Benign. Last evaluated: 2023-12-11. Review status: criteria provided, single submitter. Criteria: ACMG Guidelines, 2015. Collection method: clinical testing. Allele origin: germline. Observed: 7 variant alleles.
Comment: BS1, BS2, BP4, BP7

Fulgent Genetics
Classification: Benign for Long QT syndrome 16. Last evaluated: 2021-07-27. Review status: criteria provided, single submitter. Criteria: ACMG Guidelines, 2015. Collection method: clinical testing. Allele origin: unknown.

Ambry Genetics
Classification: Benign for Cardiovascular phenotype. Last evaluated: 2019-04-04. Review status: criteria provided, single submitter. Criteria: Ambry Variant Classification Scheme 2023. Collection method: clinical testing. Allele origin: germline.

GeneDx
Classification: Benign. Last evaluated: 2016-12-12. Review status: criteria provided, single submitter. Criteria: GeneDx Variant Classification (06012015). Collection method: clinical testing. Allele origin: germline. Affected: yes.
Comment: This variant is considered likely benign or benign based on one or more of the following criteria: it is a conservative change, it occurs at a poorly conserved position in the protein, it is predicted to be benign by multiple in silico algorithms, and/or has population frequency not consistent with disease.

Breakthrough Genomics
Classification: Benign. Review status: criteria provided, single submitter. Criteria: ACMG Guidelines, 2015. Collection method: not provided. Allele origin: germline. Inheritance: Autosomal dominant inheritance. Affected: yes.

NM_005184.4(CALM3):c.390C>T (p.Asp130=)

Gene: CALM3 (calmodulin 3; plus strand). Cytogenetic location: 19q13.32.
Variant type: single nucleotide variant.
Coding change: c.390C>T on transcript NM_005184.4 (MANE Select); coding-DNA position 390, C replaced by T.
Protein change: p.Asp130=; no amino-acid change (aspartic acid 130 retained).
Molecular consequence: synonymous variant.
Genome position (GRCh38, 1-based): chr19:46,608,950, C>T. VCF-style: chr19-46608950-C-T. GRCh37 (hg19) VCF-style: chr19-47112207-C-T.
Other names: p.Asp130=; c.282C>T, p.Asp94= (NM_001329921.1, NM_001329923.1, NM_001329924.2 and 2 more transcripts); c.390C>T, p.Asp130= (NM_001329922.1).
Identifiers: ClinVar variation 240118 (VCV000240118.20), dbSNP rs35617141, ClinGen allele CA9529829.
Genomic context (GRCh38, chr19:46,608,950, plus strand): 5'-GACGAACCTGGGGGAGAAGCTGACCGATGAGGAGGTGGATGAGATGATCAGGGAGGCTGA[C>T]ATCGATGGAGATGGCCAGGTCAATTATGAAGGTGAGTCAAGGCCAGGCTTGATCTCTGGA-3'
Protein context (NP_005175.2, residues 120-140): EEVDEMIREA[Asp130=]IDGDGQVNYE